The following is an entry in ClinVar:

ClinVar aggregate classification (germline): Uncertain significance (1 of 4 stars; one submission).

Submission:

Labcorp Genetics (formerly Invitae), Labcorp
Classification: Uncertain significance. Last evaluated: 2025-07-28. Review status: criteria provided, single submitter. Criteria: Invitae Variant Classification Sherloc (09022015). Collection method: clinical testing. Allele origin: germline.
Comment: This sequence change replaces threonine, which is neutral and polar, with arginine, which is basic and polar, at codon 557 of the HNF1A protein (p.Thr557Arg). This variant is not present in population databases (gnomAD no frequency). This variant has not been reported in the literature in individuals affected with HNF1A-related conditions. Invitae Evidence Modeling of protein sequence and biophysical properties (such as structural, functional, and spatial information, amino acid conservation, physicochemical variation, residue mobility, and thermodynamic stability) indicates that this missense variant is not expected to disrupt HNF1A protein function with a negative predictive value of 95%. In summary, the available evidence is currently insufficient to determine the role of this variant in disease. Therefore, it has been classified as a Variant of Uncertain Significance.

NM_000545.8(HNF1A):c.1670C>G (p.Thr557Arg)

Gene: HNF1A (HNF1 homeobox A; plus strand). Cytogenetic location: 12q24.31.
Variant type: single nucleotide variant.
Coding change: c.1670C>G on transcript NM_000545.8 (MANE Select); coding-DNA position 1670, C replaced by G.
Protein change: p.Thr557Arg; replaces threonine 557 with arginine.
Molecular consequence: missense variant.
Genome position (GRCh38, 1-based): chr12:120,999,529, C>G. VCF-style: chr12-120999529-C-G. GRCh37 (hg19) VCF-style: chr12-121437332-C-G.
Other names: c.1691C>G, p.Thr564Arg (NM_001306179.2); c.1478C>G, p.Thr493Arg (NM_001406915.1); short protein forms T564R, T493R, T557R.
Identifiers: ClinVar variation 4773253 (VCV004773253.1).